The following is an entry in ClinVar:

ClinVar aggregate classification (germline): Pathogenic/Likely pathogenic. Review status: criteria provided, multiple submitters, no conflicts (2 of 4 stars). 6 submissions from 6 submitters: Pathogenic (4); Likely pathogenic (2). Last evaluated 2026-01-21.

Conditions:
Autosomal recessive spinocerebellar ataxia 12. Also called: SPINOCEREBELLAR ATAXIA WITH MENTAL RETARDATION AND EPILEPSY. Identifiers: Orphanet 284282, MedGen C3280452, MONDO:0013687, OMIM 614322.
Developmental and epileptic encephalopathy, 1 (DEE1). Also called: INFANTILE SPASM SYNDROME, X-LINKED 1; X-linked infantile spasms; West's syndrome; Tonic spasms with clustering, arrest of psychomotor development and hypsarrhythmia on EEG; X-Linked Infantile Spasm Syndrome; OHTAHARA SYNDROME, X-LINKED. Identifiers: MedGen C3463992, MONDO:0010632, OMIM 308350. Disease mechanism: loss of function.
WWOX-related disorder. Also called: WWOX-related condition.
Developmental and epileptic encephalopathy, 28 (DEE28). Also called: Epileptic encephalopathy, early infantile, 28. Identifiers: Orphanet 442835, MedGen C4015519, MONDO:0014533, OMIM 616211.

Allele frequency attached by ClinVar (database versions not stated): ESP Exome Variant Server 0.00017.
gnomAD v4.1: 98 of 1,614,100 alleles (0.0061%); highest among the groups gnomAD compares: Non-Finnish European, 0.008%; no homozygotes.

Submissions (6):

Labcorp Genetics (formerly Invitae), Labcorp
Classification: Pathogenic for Developmental and epileptic encephalopathy, 1; Autosomal recessive spinocerebellar ataxia 12. Last evaluated: 2026-01-21. Review status: criteria provided, single submitter. Criteria: Invitae Variant Classification Sherloc (09022015). Collection method: clinical testing. Allele origin: germline.
Comment: This sequence change creates a premature translational stop signal (p.Gln72*) in the WWOX gene. It is expected to result in an absent or disrupted protein product. Loss-of-function variants in WWOX are known to be pathogenic (PMID: 24456803, 25411445). This variant is present in population databases (rs201008667, gnomAD 0.01%). This variant has not been reported in the literature in individuals affected with WWOX-related conditions. ClinVar contains an entry for this variant (Variation ID: 449920). For these reasons, this variant has been classified as Pathogenic.

Kids Research, The Children's Hospital at Westmead
Classification: Pathogenic for Developmental and epileptic encephalopathy, 28. Last evaluated: 2024-09-20. Review status: criteria provided, single submitter. Criteria: ACMG Guidelines, 2015. Collection method: research. Allele origin: germline. Affected: yes.
Comment: PVS1, PM2, PM3_Strong

CeGaT Center for Human Genetics Tuebingen
Classification: Pathogenic. Last evaluated: 2024-05-01. Review status: criteria provided, single submitter. Criteria: CeGaT Center For Human Genetics Tuebingen Variant Classification Criteria Version 2. Collection method: clinical testing. Allele origin: germline. Affected: yes. Observed: 1 variant allele.
Comment: WWOX: PVS1, PM3:Strong, PM2

Blueprint Genetics
Classification: Likely pathogenic for WWOX-related disorders. Last evaluated: 2024-01-25. Review status: criteria provided, single submitter. Criteria: ACMG Guidelines, 2015. Collection method: clinical testing. Allele origin: germline. Affected: yes. Observed: 5 variant alleles.

GeneDx
Classification: Likely pathogenic. Last evaluated: 2023-05-15. Review status: criteria provided, single submitter. Criteria: GeneDx Variant Classification Process June 2021. Collection method: clinical testing. Allele origin: germline. Affected: yes.
Comment: Reported as p.Q72X in a patient excluded from a WOREE cohort, as the patient had a mild phenotype and the variant was seen in trans with a missense variant that only affects a non-RefSeq WWOX protein (Piard et al., 2019); Nonsense variant predicted to result in protein truncation or nonsense mediated decay in a gene for which loss-of-function is a known mechanism of disease; Not observed at significant frequency in large population cohorts (gnomAD); This variant is associated with the following publications: (PMID: 24456803, 30356099, 31589614, 27535533, 31440721)

Broad Center for Mendelian Genomics, Broad Institute of MIT and Harvard
Classification: Pathogenic for Developmental and epileptic encephalopathy, 28. Last evaluated: 2023-01-25. Review status: criteria provided, single submitter. Criteria: ACMG Guidelines, 2015. Collection method: curation. Allele origin: germline. Inheritance: Autosomal recessive inheritance.
Comment: Trio exome analysis revealed that this variant was in trans with a variant of uncertain significance (NC_000016.10:g.78424965T>C). The p.Gln72Ter variant in WWOX has been previously reported in 2 unrelated individuals with developmental and epileptic encephalopathy 28 (PMID: 33916893) but has been identified in 0.008% (9/113214) of European (non-Finnish) chromosomes by the Genome Aggregation Database (gnomAD; dbSNP ID: rs201008667). Although this variant has been seen in the general population in a heterozygous state, its frequency is low enough to be consistent with a recessive carrier frequency. These two affected individuals were compound heterozygotes who carried pathogenic or likely pathogenic variants in trans (PMID: 33916893, ClinVar Variation ID: 584160, 830545), which increases the likelihood that the p.Gln72Ter variant in WWOX is pathogenic. This variant has also been reported in ClinVar (Variation ID: 449920) and has been interpreted as pathogenic by Invitae and as likely pathogenic by GeneDx. This nonsense variant leads to a premature termination codon at position 72, which is predicted to lead to a truncated or absent protein. Loss of function of the WWOX gene is strongly associated to autosomal recessive developmental and epileptic encephalopathy 28. In summary, this variant meets criteria to be classified as pathogenic for developmental and epileptic encephalopathy 28. ACMG/AMP Criteria applied: PVS1_Strong, PM2_Supporting, PM3_Strong (Richards 2015).

Literature cited by the submitters: PubMed 24456803 (cited by Labcorp Genetics (formerly Invitae), Labcorp); PubMed 25411445 (cited by Labcorp Genetics (formerly Invitae), Labcorp).

NM_016373.4(WWOX):c.214C>T (p.Gln72Ter)

Gene: WWOX (WW domain containing oxidoreductase; plus strand). Cytogenetic location: 16q23.1.
Variant type: single nucleotide variant.
Coding change: c.214C>T on transcript NM_016373.4 (MANE Select); coding-DNA position 214, C replaced by T.
Protein change: p.Gln72Ter; replaces glutamine 72 with a stop codon.
Molecular consequence: nonsense. On other transcripts: 5 prime UTR variant (1), non-coding transcript variant (1).
Genome position (GRCh38, 1-based): chr16:78,109,819, C>T. VCF-style: chr16-78109819-C-T. GRCh37 (hg19) VCF-style: chr16-78143716-C-T.
Other names: NM_016373.4(WWOX):c.214C>T; p.Gln72Ter; c.-126C>T (NM_001291997.2); c.214C>T, p.Gln72Ter (NM_130791.5); short protein forms Q72*.
Identifiers: ClinVar variation 449920 (VCV000449920.30), dbSNP rs201008667, ClinGen allele CA8183087.